The following is an entry in ClinVar:

ClinVar aggregate classification (germline): Benign. Review status: criteria provided, multiple submitters, no conflicts (2 of 4 stars). 4 submissions from 4 submitters: Benign (4). Last evaluated 2026-01-24.

Allele frequency attached by ClinVar (database versions not stated): gnomAD 0.02834; ESP Exome Variant Server 0.02938; 1000 Genomes Project 0.03135; TOPMed 0.03245; 1000 Genomes Project 30x 0.03295.
gnomAD v4.1: 8,401 of 1,515,082 alleles (0.55%); highest among the groups gnomAD compares: African/African-American, 10%; 392 homozygotes.

Submissions (4):

Labcorp Genetics (formerly Invitae), Labcorp
Classification: Benign. Last evaluated: 2026-01-24. Review status: criteria provided, single submitter. Criteria: Invitae Variant Classification Sherloc (09022015). Collection method: clinical testing. Allele origin: germline.

GeneDx
Classification: Benign. Last evaluated: 2017-10-23. Review status: criteria provided, single submitter. Criteria: GeneDx Variant Classification (06012015). Collection method: clinical testing. Allele origin: germline. Affected: yes.
Comment: This variant is considered likely benign or benign based on one or more of the following criteria: it is a conservative change, it occurs at a poorly conserved position in the protein, it is predicted to be benign by multiple in silico algorithms, and/or has population frequency not consistent with disease.

Laboratory for Molecular Medicine, Mass General Brigham Personalized Medicine
Classification: Benign. Last evaluated: 2014-11-24. Review status: criteria provided, single submitter. Criteria: LMM Criteria. Collection method: clinical testing. Allele origin: germline. Observed: 16 variant alleles.
Comment: Tyr1033Cys in exon 27 of OTOGL: This variant is not expected to have clinical si gnificance because it has been identified in 9.5% (343/3608) of African American chromosomes from a broad population by the NHLBI Exome Sequencing Project (dbSNP rs12304169).

Breakthrough Genomics
Classification: Benign. Review status: criteria provided, single submitter. Criteria: ACMG Guidelines, 2015. Collection method: not provided. Allele origin: germline. Inheritance: Autosomal recessive inheritance. Affected: yes.

NM_001378609.3(OTOGL):c.3125A>G (p.Tyr1042Cys)

Gene: OTOGL (otogelin like; plus strand). Cytogenetic location: 12q21.31.
Variant type: single nucleotide variant.
Coding change: c.3125A>G on transcript NM_001378609.3 (MANE Select); coding-DNA position 3125, A replaced by G.
Protein change: p.Tyr1042Cys; replaces tyrosine 1042 with cysteine.
Molecular consequence: missense variant.
Genome position (GRCh38, 1-based): chr12:80,302,695, A>G. VCF-style: chr12-80302695-A-G. GRCh37 (hg19) VCF-style: chr12-80696475-A-G.
Other names: c.3125A>G, p.Tyr1042Cys (NM_173591.7, NM_001378610.3); c.2990A>G, p.Tyr997Cys (NM_001368062.3); short protein forms Y1033C, Y1042C, Y997C.
Identifiers: ClinVar variation 226937 (VCV000226937.14), dbSNP rs12304169, ClinGen allele CA6700970.